The following is an entry in ClinVar:

NM_018230.3(NUP133):c.2735_2737del (p.Gly912_Lys913delinsGlu)

Gene: NUP133 (nucleoporin 133; minus strand). Cytogenetic location: 1q42.13.
Variant type: Deletion.
Coding change: c.2735_2737del on transcript NM_018230.3 (MANE Select); coding-DNA positions 2735 to 2737, 3 bases deleted (GCA; older notation c.2735_2737delGCA).
Protein change: p.Gly912_Lys913delinsGlu.
Molecular consequence: inframe indel.
Genome position (GRCh38, 1-based): chr1:229,460,718-229,460,720, TGC deleted on the plus strand (GCA on the coding strand, the reverse complement: NUP133 is on the minus strand). VCF-style (leftmost placement, unchanged base first): chr1-229460717-TTGC-T. GRCh37 (hg19) VCF-style: chr1-229596464-TTGC-T.
Identifiers: ClinVar variation 2843950 (VCV002843950.3), dbSNP rs2527494818, ClinGen allele CA2739273894.

ClinVar aggregate classification (germline): Uncertain significance (1 of 4 stars; one submission).

Submission:

Labcorp Genetics (formerly Invitae), Labcorp
Classification: Uncertain significance. Last evaluated: 2023-03-08. Review status: criteria provided, single submitter. Criteria: Invitae Variant Classification Sherloc (09022015). Collection method: clinical testing. Allele origin: germline.
Comment: This variant is not present in population databases (gnomAD no frequency). In summary, the available evidence is currently insufficient to determine the role of this variant in disease. Therefore, it has been classified as a Variant of Uncertain Significance. Experimental studies and prediction algorithms are not available or were not evaluated, and the functional significance of this variant is currently unknown. This variant has not been reported in the literature in individuals affected with NUP133-related conditions. This variant, c.2735_2737del, results in the deletion of 2 and insertion of 1 amino acid(s) of the NUP133 protein (p.Gly912_Lys913delinsGlu), but otherwise preserves the integrity of the reading frame.